The following is an entry in ClinVar:

NM_021926.4(ALX4):c.867T>A (p.Tyr289Ter)

Gene: ALX4 (ALX homeobox 4; minus strand). Cytogenetic location: 11p11.2.
Variant type: single nucleotide variant.
Coding change: c.867T>A on transcript NM_021926.4 (MANE Select); coding-DNA position 867, T replaced by A.
Protein change: p.Tyr289Ter; replaces tyrosine 289 with a stop codon.
Molecular consequence: nonsense.
Genome position (GRCh38, 1-based): chr11:44,267,533, A>T on the plus strand (T>A on the coding strand, the complement: ALX4 is on the minus strand). VCF-style: chr11-44267533-A-T. GRCh37 (hg19) VCF-style: chr11-44289083-A-T.
Other names: p.Tyr289Ter; short protein forms Y289*.
Identifiers: ClinVar variation 4871910 (VCV004871910.1).

ClinVar aggregate classification (germline): Likely pathogenic (1 of 4 stars; one submission).

Conditions:
Parietal foramina 2 (PFM2). Identifiers: Orphanet 60015, MedGen C1865044, MONDO:0012309, OMIM 609597.

Submission:

Centre for Mendelian Genomics, University Medical Centre Ljubljana
Classification: Likely pathogenic for Parietal foramina 2. Last evaluated: 2026-07-22. Review status: criteria provided, single submitter. Criteria: ACMG Guidelines, 2015. Collection method: clinical testing. Allele origin: germline. Affected: yes. Observed: 1 variant allele.
Comment: The variant p.Tyr289* has not previously been reported in patients with ALX4-related disorders. However, the following evidence strongly supports its pathogenicity: although the variant is not predicted to lead to nonsense-mediated decay and the function of the removed amino acid sequence is poorly understood, similar variants are not common in the general population, the affected exons are present in biologically abundant transcripts, and over 10% of the protein is removed [PVS1_STR]. The variant is absent from the gnomAD control population as well as an internal reference population database [PM2]. While heterozygous ALX4 loss-of-function variants have traditionally been associated with parietal foramina with reduced penetrance and marked intrafamilial variability, several reports describe epilepsy in these patients, attributed to cortical malformations beneath the area of the foramina (PMID:15489411, PMID:33269135). In light of this evidence, we classify the variant as likely pathogenic.

Literature cited by the submitters: PubMed 15489411; PubMed 33269135.